The following is an entry in ClinVar:

NM_001042492.3(NF1):c.2824A>C (p.Ser942Arg)

Gene: NF1 (neurofibromin 1; plus strand). Cytogenetic location: 17q11.2.
Variant type: single nucleotide variant.
Coding change: c.2824A>C on transcript NM_001042492.3 (MANE Select); coding-DNA position 2824, A replaced by C.
Protein change: p.Ser942Arg; replaces serine 942 with arginine.
Molecular consequence: missense variant.
Genome position (GRCh38, 1-based): chr17:31,229,439, A>C. VCF-style: chr17-31229439-A-C. GRCh37 (hg19) VCF-style: chr17-29556457-A-C.
Other names: c.2824A>C, p.Ser942Arg (NM_000267.4); short protein forms S942R.
Identifiers: ClinVar variation 1464982 (VCV001464982.8), dbSNP rs2151429775, ClinGen allele CA398985800.
Genomic context (GRCh38, chr17:31,229,439, plus strand): 5'-GGTCTAGAATTGAGTCCTGCTCTGTATCCAATGCTATTTAACAAATTGAAGAATACCATC[A>C]GCAAGTTTTTTGACTCCCAAGGACAGGTAAAGTGTTCTCTTATTTTTCACCTTTCTCTAT-3'
Protein context (NP_001035957.1, residues 932-952): MLFNKLKNTI[Ser942Arg]KFFDSQGQVL

ClinVar aggregate classification (germline): Uncertain significance (1 of 4 stars; one submission).

Conditions:
Neurofibromatosis, type 1 (NF1). Also called: NEUROFIBROMATOSIS, TYPE I, SOMATIC; VON RECKLINGHAUSEN DISEASE; Peripheral type neurofibromatosis; Neurofibromatosis, type I. Identifiers: Orphanet 636, MedGen C0027831, MONDO:0018975, OMIM 162200. Disease mechanism: loss of function.

Submission:

Labcorp Genetics (formerly Invitae), Labcorp
Classification: Uncertain significance for Neurofibromatosis, type 1. Last evaluated: 2021-07-04. Review status: criteria provided, single submitter. Criteria: Invitae Variant Classification Sherloc (09022015). Collection method: clinical testing. Allele origin: germline.
Comment: This sequence change replaces serine with arginine at codon 942 of the NF1 protein (p.Ser942Arg). The serine residue is moderately conserved and there is a moderate physicochemical difference between serine and arginine. This variant is not present in population databases (ExAC no frequency). This variant has not been reported in the literature in individuals affected with NF1-related conditions. Advanced modeling of protein sequence and biophysical properties (such as structural, functional, and spatial information, amino acid conservation, physicochemical variation, residue mobility, and thermodynamic stability) performed at Invitae indicates that this missense variant is not expected to disrupt NF1 protein function. In summary, the available evidence is currently insufficient to determine the role of this variant in disease. Therefore, it has been classified as a Variant of Uncertain Significance.